The following is an entry in ClinVar:

NM_000303.3(PMM2):c.441C>T (p.Leu147=)

Gene: PMM2 (phosphomannomutase 2; plus strand). Cytogenetic location: 16p13.2.
Variant type: single nucleotide variant.
Coding change: c.441C>T on transcript NM_000303.3 (MANE Select); coding-DNA position 441, C replaced by T.
Protein change: p.Leu147=; no amino-acid change (leucine 147 retained).
Molecular consequence: synonymous variant.
Genome position (GRCh38, 1-based): chr16:8,811,172, C>T. VCF-style: chr16-8811172-C-T. GRCh37 (hg19) VCF-style: chr16-8905029-C-T.
Identifiers: ClinVar variation 290565 (VCV000290565.40), dbSNP rs146990448, ClinGen allele CA7894059.
Genomic context (GRCh38, chr16:8,811,172, plus strand): 5'-AAACGTGTCCCCTATTGGAAGAAGCTGCAGCCAAGAAGAACGCATTGAGTTCTACGAACT[C>T]GATAAAGTACGTCTTTCTGAAATATCTTTGGTGAATGGCTGGGTTTATGGAAATAAGATA-3'
Protein context (NP_000294.1, residues 137-157): SQEERIEFYE[Leu147=]DKKENIRQKF

ClinVar aggregate classification (germline): Conflicting classifications of pathogenicity. Review status: criteria provided, conflicting classifications (1 of 4 stars). 6 submissions from 6 submitters: Uncertain significance (2); Benign (1); Likely benign (2). 1 of the submissions does not count toward it. Last evaluated 2026-01-11.

Conditions:
PMM2-congenital disorder of glycosylation. Also called: CARBOHYDRATE-DEFICIENT GLYCOPROTEIN SYNDROME, TYPE Ia; Congenital disorder of glycosylation, type Ia; CDG Ia; JAEKEN SYNDROME; PMM2-CDG; PHOSPHOMANNOMUTASE 2 DEFICIENCY. Identifiers: Orphanet 79318, MedGen C0349653, MONDO:0008907, OMIM 212065.

Allele frequency attached by ClinVar (database versions not stated): gnomAD 0.00010; ESP Exome Variant Server 0.00031; TOPMed 0.00032; ExAC 0.00054.
gnomAD v4.1: 248 of 1,547,044 alleles (0.016%); highest among the groups gnomAD compares: African/African-American, 0.023%; 1 homozygote.

Submissions (6):

Labcorp Genetics (formerly Invitae), Labcorp
Classification: Benign for PMM2-congenital disorder of glycosylation. Last evaluated: 2026-01-11. Review status: criteria provided, single submitter. Criteria: Invitae Variant Classification Sherloc (09022015). Collection method: clinical testing. Allele origin: germline.

Blueprint Genetics
Classification: Likely benign. Last evaluated: 2024-10-23. Review status: criteria provided, single submitter. Criteria: ACMG Guidelines, 2015. Collection method: clinical testing. Allele origin: germline.

CeGaT Center for Human Genetics Tuebingen
Classification: Likely benign. Last evaluated: 2024-06-01. Review status: criteria provided, single submitter. Criteria: CeGaT Center For Human Genetics Tuebingen Variant Classification Criteria Version 2. Collection method: clinical testing. Allele origin: germline. Affected: yes. Observed: 1 variant allele.
Comment: PMM2: BP4, BP7

Eurofins Ntd Llc (ga)
Classification: Uncertain significance. Last evaluated: 2018-04-23. Review status: criteria provided, single submitter. Criteria: EGL ClinVar v180209 classification definitions. Collection method: clinical testing. Allele origin: germline. Observed: 2 variant alleles, 2 heterozygotes.

Illumina Laboratory Services, Illumina
Classification: Uncertain significance for PMM2-congenital disorder of glycosylation. Last evaluated: 2017-04-28. Review status: criteria provided, single submitter. Criteria: ICSL Variant Classification Criteria 13 December 2019. Collection method: clinical testing. Allele origin: germline.

Natera, Inc.
Classification: Benign for Congenital disorder of glycosylation type 1a. Last evaluated: 2019-10-28. Review status: no assertion criteria provided. Collection method: clinical testing. Allele origin: germline. Not counted in ClinVar's aggregate classification.